The following is an entry in ClinVar:

NM_020812.4(DOCK6):c.1798C>T (p.Arg600Cys)

Gene: DOCK6 (dedicator of cytokinesis 6; minus strand). Cytogenetic location: 19p13.2.
Variant type: single nucleotide variant.
Coding change: c.1798C>T on transcript NM_020812.4 (MANE Select); coding-DNA position 1798, C replaced by T.
Protein change: p.Arg600Cys; replaces arginine 600 with cysteine.
Molecular consequence: missense variant.
Genome position (GRCh38, 1-based): chr19:11,238,079, G>A on the plus strand (C>T on the coding strand, the complement: DOCK6 is on the minus strand). VCF-style: chr19-11238079-G-A. GRCh37 (hg19) VCF-style: chr19-11348755-G-A.
Other names: c.1798C>T, p.Arg600Cys (NM_001367830.1); short protein forms R600C.
Identifiers: ClinVar variation 1512344 (VCV001512344.6), dbSNP rs141643317, ClinGen allele CA9207856.
Genomic context (GRCh38, chr19:11,238,079, plus strand): 5'-AGTTCCTCACGTGTCCCCCTACATACTTGTTATGGTAGACCACCGGTGTGAAGGCCTCGC[G>A]GGTAAATTCACTGCAGCTGGACTTGCCAAAGATGACCTGGGAGAGTGGATTCATGAGGGA-3'
Protein context (NP_065863.2, residues 590-610): FGKSSCSEFT[Arg600Cys]EAFTPVVYHN

ClinVar aggregate classification (germline): Uncertain significance. Review status: criteria provided, multiple submitters, no conflicts (2 of 4 stars). 2 submissions from 2 submitters: Uncertain significance (2). Last evaluated 2021-08-31.

Allele frequency attached by ClinVar (database versions not stated): ESP Exome Variant Server 0.00008; TOPMed 0.00008; 1000 Genomes Project 30x 0.00016; gnomAD exomes 0.00017 and 0.00032; 1000 Genomes Project 0.00020; gnomAD 0.00021; ExAC 0.00040.
gnomAD v4.1: 276 of 1,613,936 alleles (0.017%); highest among the groups gnomAD compares: Middle Eastern, 0.033%; no homozygotes.

Submissions (2):

Labcorp Genetics (formerly Invitae), Labcorp
Classification: Uncertain significance. Last evaluated: 2021-08-31. Review status: criteria provided, single submitter. Criteria: Invitae Variant Classification Sherloc (09022015). Collection method: clinical testing. Allele origin: germline.
Comment: This sequence change replaces arginine with cysteine at codon 600 of the DOCK6 protein (p.Arg600Cys). The arginine residue is moderately conserved and there is a large physicochemical difference between arginine and cysteine. This variant is present in population databases (rs141643317, ExAC 0.2%). This variant has not been reported in the literature in individuals affected with DOCK6-related conditions. Algorithms developed to predict the effect of missense changes on protein structure and function are either unavailable or do not agree on the potential impact of this missense change (SIFT: "Deleterious"; PolyPhen-2: "Benign"; Align-GVGD: "Class C0"). In summary, the available evidence is currently insufficient to determine the role of this variant in disease. Therefore, it has been classified as a Variant of Uncertain Significance.

Breakthrough Genomics
Classification: Uncertain significance. Review status: criteria provided, single submitter. Criteria: ACMG Guidelines, 2015. Collection method: not provided. Allele origin: germline. Inheritance: Autosomal recessive inheritance. Affected: yes.